The following is an entry in ClinVar:

NM_000320.3(QDPR):c.153C>G (p.Ser51Arg)

Gene: QDPR (quinoid dihydropteridine reductase; minus strand). Cytogenetic location: 4p15.32.
Variant type: single nucleotide variant.
Coding change: c.153C>G on transcript NM_000320.3 (MANE Select); coding-DNA position 153, C replaced by G.
Protein change: p.Ser51Arg; replaces serine 51 with arginine.
Molecular consequence: missense variant. On other transcripts: non-coding transcript variant (1), intron variant (1).
Genome position (GRCh38, 1-based): chr4:17,509,316, G>C on the plus strand (C>G on the coding strand, the complement: QDPR is on the minus strand). VCF-style: chr4-17509316-G-C. GRCh37 (hg19) VCF-style: chr4-17510939-G-C.
Other names: c.105+2634C>G (NM_001306140.2); short protein forms S51R.
Identifiers: ClinVar variation 1493959 (VCV001493959.6), dbSNP rs2108997310, ClinGen allele CA356453215.

ClinVar aggregate classification (germline): Uncertain significance (1 of 4 stars; one submission).

Conditions:
Dihydropteridine reductase deficiency (HPABH4C). Also called: BH4-Deficient Hyperphenylalaninemia C; HYPERPHENYLALANINEMIA, TETRAHYDROBIOPTERIN-DEFICIENT, DUE TO DHPR DEFICIENCY; QDPR DEFICIENCY; QUINOID DIHYDROPTERIDINE REDUCTASE DEFICIENCY; Phenylketonuria II; Hyperphenylalaninemia due to dihydropteridine reductase deficiency. Identifiers: Orphanet 226, Orphanet 238583, MedGen C0268465, MONDO:0009862, OMIM 261630.

Submission:

Labcorp Genetics (formerly Invitae), Labcorp
Classification: Uncertain significance for Dihydropteridine reductase deficiency. Last evaluated: 2024-02-24. Review status: criteria provided, single submitter. Criteria: Invitae Variant Classification Sherloc (09022015). Collection method: clinical testing. Allele origin: germline.
Comment: This sequence change replaces serine, which is neutral and polar, with arginine, which is basic and polar, at codon 51 of the QDPR protein (p.Ser51Arg). This variant is not present in population databases (gnomAD no frequency). This variant has not been reported in the literature in individuals affected with QDPR-related conditions. ClinVar contains an entry for this variant (Variation ID: 1493959). An algorithm developed to predict the effect of missense changes on protein structure and function (PolyPhen-2) suggests that this variant is likely to be tolerated. In summary, the available evidence is currently insufficient to determine the role of this variant in disease. Therefore, it has been classified as a Variant of Uncertain Significance.